The following is an entry in ClinVar:

ClinVar aggregate classification (germline): Likely pathogenic (1 of 4 stars; one submission).

Conditions:
F5-related disorder. Also called: F5-related condition.

Submission:

PreventionGenetics, part of Exact Sciences
Classification: Likely pathogenic for F5-related condition. Last evaluated: 2025-06-09. Review status: criteria provided, single submitter. Criteria: ACMG Guidelines, 2015. Collection method: clinical testing. Allele origin: germline.
Comment: The F5 c.1920delC variant is predicted to result in premature protein termination (p.Leu641*). To our knowledge, this variant has not been reported in the literature or in a large population database (gnomAD), indicating this variant is rare. Nonsense variants in F5 are expected to be pathogenic. This variant is interpreted as likely pathogenic.

NM_000130.5(F5):c.1920del (p.Thr640_Leu641insTer)

Gene: F5 (coagulation factor V; minus strand). Cytogenetic location: 1q24.2.
Variant type: Deletion.
Coding change: c.1920del on transcript NM_000130.5 (MANE Select); coding-DNA position 1920, one base deleted (C; older notation c.1920delC).
Protein change: p.Thr640_Leu641insTer.
Molecular consequence: frameshift variant. On other transcripts: nonsense (1).
Genome position (GRCh38, 1-based): chr1:169,544,351, G deleted on the plus strand (C on the coding strand, the reverse complement: F5 is on the minus strand); the first of 2 consecutive G bases (chr1:169,544,351-169,544,352); deleting either gives the same sequence. VCF-style (leftmost placement, unchanged base first): chr1-169544350-AG-A. GRCh37 (hg19) VCF-style: chr1-169513588-AG-A.
Other names: c.1920delC (NM_000130.4).
Identifiers: ClinVar variation 5001538 (VCV005001538.1).